The following is an entry in ClinVar:

ClinVar aggregate classification (germline): Likely pathogenic (1 of 4 stars; one submission).

Conditions:
Severe early-childhood-onset retinal dystrophy (STGD1). Also called: Stargardt macular dystrophy; Juvenile onset macular degeneration; Stargardt disease 1; MACULAR DYSTROPHY WITH FLECKS, TYPE 1; STGD. Identifiers: Orphanet 364055, Orphanet 827, MedGen C1855465, MeSH D000080362, MONDO:0009549, OMIM 248200.

Submission:

Victorian Clinical Genetics Services, Murdoch Childrens Research Institute
Classification: Likely pathogenic for Severe early-childhood-onset retinal dystrophy. Last evaluated: 2022-02-02. Review status: criteria provided, single submitter. Criteria: ACMG Guidelines, 2015. Collection method: clinical testing. Allele origin: germline. Inheritance: Autosomal recessive inheritance. Affected: yes.
Comment: Based on the classification scheme VCGS_Germline_v1.3.4, this variant is classified as Likely Pathogenic. The following criteria are met: 0102 - Loss of function is a known mechanism of disease in this gene and is associated with Stargardt disease 1 (MIM#248200), cone-rod dystrophy 3 (MIM#604116), fundus flavimaculatus (MIM#248200), early-onset severe retinal dystrophy (MIM#248200) and retinitis pigmentosa 19 (MIM#601718). (I) 0106 - This gene is associated with autosomal recessive disease. (I) 0115 - Variants in this gene are known to have variable expressivity (PMID: 31522899). (I) 0200 - Variant is predicted to result in a missense amino acid change from phenylalanine to serine. (I) 0251 - This variant is heterozygous. (I) 0301 - Variant is absent from gnomAD (both v2 and v3). (SP) 0309 - An alternative amino acid change at the same position has been observed in gnomAD (v2) (3 heterozygotes, 0 homozygotes). (I) 0501 - Missense variant consistently predicted to be damaging by multiple in silico tools or highly conserved with a major amino acid change. (SP) 0604 - Variant is not located in an established domain, motif, hotspot or informative constraint region. (I) 0710 - Another missense variant comparable to the one identified in this case has inconclusive previous evidence for pathogenicity. This alternative change (p.(Phe503Leu)) has been reported as a VUS (ClinVar). (I) 0807 - This variant has no previous evidence of pathogenicity. (I) 0905 - No published segregation evidence has been identified for this variant. (I) 1007 - No published functional evidence has been identified for this variant. (I) 1102 - Strong phenotype match for this individual. (SP) Legend: (SP) - Supporting pathogenic, (I) - Information, (SB) - Supporting benign

Literature cited by the submitters: PubMed 31522899.

NM_000350.3(ABCA4):c.1508T>C (p.Phe503Ser)

Gene: ABCA4 (ATP binding cassette subfamily A member 4; minus strand). Cytogenetic location: 1p22.1.
Variant type: single nucleotide variant.
Coding change: c.1508T>C on transcript NM_000350.3 (MANE Select); coding-DNA position 1508, T replaced by C.
Protein change: p.Phe503Ser; replaces phenylalanine 503 with serine.
Molecular consequence: missense variant.
Genome position (GRCh38, 1-based): chr1:94,077,736, A>G on the plus strand (T>C on the coding strand, the complement: ABCA4 is on the minus strand). VCF-style: chr1-94077736-A-G. GRCh37 (hg19) VCF-style: chr1-94543292-A-G.
Other names: c.1508T>C, p.Phe503Ser (NM_001425324.1); short protein forms F503S.
Identifiers: ClinVar variation 1805043 (VCV001805043.1), dbSNP rs2523890741, ClinGen allele CA341281883.